The following is an entry in ClinVar:

ClinVar aggregate classification (germline): Uncertain significance. Review status: criteria provided, multiple submitters, no conflicts (2 of 4 stars). 4 submissions from 4 submitters: Uncertain significance (4). Last evaluated 2022-07-25.

Conditions:
Granulomatous disease, chronic, autosomal recessive, cytochrome b-positive, type 3. Also called: GRANULOMATOUS DISEASE, CHRONIC, AUTOSOMAL RECESSIVE, 3; CGD, AUTOSOMAL RECESSIVE CYTOCHROME b-POSITIVE, TYPE III; GRANULOMATOUS DISEASE, CHRONIC, DUE TO NCF4 DEFICIENCY; Granulomatous disease, chronic, autosomal recessive, cytochrome b-positive, type III. Identifiers: Orphanet 379, MedGen C3151409, MONDO:0013507, OMIM 613960.

Allele frequency attached by ClinVar (database versions not stated): ExAC 0.00012; gnomAD exomes 0.00014; ESP Exome Variant Server 0.00015; TOPMed 0.00016; gnomAD 0.00020 and 0.00021.
gnomAD v4.1: 482 of 1,613,820 alleles (0.03%); highest among the groups gnomAD compares: Non-Finnish European, 0.039%; no homozygotes.

Submissions (4):

Labcorp Genetics (formerly Invitae), Labcorp
Classification: Uncertain significance for Granulomatous disease, chronic, autosomal recessive, cytochrome b-positive, type 3. Last evaluated: 2022-07-25. Review status: criteria provided, single submitter. Criteria: Invitae Variant Classification Sherloc (09022015). Collection method: clinical testing. Allele origin: germline.
Comment: This sequence change replaces arginine, which is basic and polar, with glutamine, which is neutral and polar, at codon 270 of the NCF4 protein (p.Arg270Gln). This variant is present in population databases (rs150640467, gnomAD 0.02%). This variant has not been reported in the literature in individuals affected with NCF4-related conditions. ClinVar contains an entry for this variant (Variation ID: 576370). Algorithms developed to predict the effect of missense changes on protein structure and function (SIFT, PolyPhen-2, Align-GVGD) all suggest that this variant is likely to be tolerated. In summary, the available evidence is currently insufficient to determine the role of this variant in disease. Therefore, it has been classified as a Variant of Uncertain Significance.

GeneDx
Classification: Uncertain significance. Last evaluated: 2022-01-17. Review status: criteria provided, single submitter. Criteria: GeneDx Variant Classification Process June 2021. Collection method: clinical testing. Allele origin: germline. Affected: yes.
Comment: In silico analysis supports that this missense variant does not alter protein structure/function; Has not been previously published as pathogenic or benign to our knowledge; Variants in candidate genes are classified as variants of uncertain significance in accordance with ACMG guidelines (Richards et al., 2015)

Ambry Genetics
Classification: Uncertain significance. Last evaluated: 2021-08-09. Review status: criteria provided, single submitter. Criteria: Ambry Variant Classification Scheme 2023. Collection method: clinical testing. Allele origin: germline.

Breakthrough Genomics
Classification: Uncertain significance. Review status: criteria provided, single submitter. Criteria: ACMG Guidelines, 2015. Collection method: not provided. Allele origin: germline. Inheritance: Autosomal dominant inheritance. Affected: yes.

NM_000631.5(NCF4):c.758+51G>A

Gene: NCF4 (neutrophil cytosolic factor 4; plus strand). Cytogenetic location: 22q12.3.
Variant type: single nucleotide variant.
Coding change: c.758+51G>A on transcript NM_000631.5 (MANE Select); 51 bases into the intron after coding-DNA position 758, G replaced by A.
Molecular consequence: intron variant. On other transcripts: missense variant (1).
Genome position (GRCh38, 1-based): chr22:36,875,834, G>A. VCF-style: chr22-36875834-G-A. GRCh37 (hg19) VCF-style: chr22-37271876-G-A.
Other names: c.809G>A, p.Arg270Gln (NM_013416.4); short protein forms R270Q.
Identifiers: ClinVar variation 576370 (VCV000576370.10), dbSNP rs150640467, ClinGen allele CA10213166.
Genomic context (GRCh38, chr22:36,875,834, plus strand): 5'-GCACCATCAAGTCTGTGGCCTGGGAGGGAGGGGCCTGTCCAGCCTTCCTGCCATCCCTAC[G>A]ACCACTGCCCCTCACATCACCTTCTCATGGGTCCCTCTCCCACTCCAAAGCCCCCAGTGG-3'